The following is an entry in ClinVar:

NM_021012.5(KCNJ12):c.579G>A (p.Thr193=)

Gene: KCNJ12 (potassium inwardly rectifying channel subfamily J member 12; plus strand). Cytogenetic location: 17p11.2.
Variant type: single nucleotide variant.
Coding change: c.579G>A on transcript NM_021012.5 (MANE Select); coding-DNA position 579, G replaced by A.
Protein change: p.Thr193=; no amino-acid change (threonine 193 retained).
Molecular consequence: synonymous variant.
Genome position (GRCh38, 1-based): chr17:21,415,921, G>A. VCF-style: chr17-21415921-G-A. GRCh37 (hg19) VCF-style: chr17-21319233-G-A.
Identifiers: ClinVar variation 3047960 (VCV003047960.2), dbSNP rs782637855, ClinGen allele CA8451183.
Genomic context (GRCh38, chr17:21,415,921, plus strand): 5'-CTCCTTCATGATTGGTGCCATCATGGCCAAGATGGCAAGGCCCAAGAAGCGGGCACAGAC[G>A]CTGCTGTTCAGCCACAACGCCGTGGTGGCCCTGCGTGACGGCAAGCTCTGCCTCATGTGG-3'
Protein context (NP_066292.2, residues 183-203): KMARPKKRAQ[Thr193=]LLFSHNAVVA

ClinVar aggregate classification (germline): Likely benign (0 of 4 stars; one submission).

Conditions:
KCNJ12-related disorder. Also called: KCNJ12-related condition.

Allele frequency attached by ClinVar (database versions not stated): gnomAD 0.00005.

Submission:

PreventionGenetics, part of Exact Sciences
Classification: Likely benign for KCNJ12-related condition. Last evaluated: 2019-11-27. Review status: no assertion criteria provided. Collection method: clinical testing. Allele origin: germline.
Comment: This variant is classified as likely benign based on ACMG/AMP sequence variant interpretation guidelines (Richards et al. 2015 PMID: 25741868, with internal and published modifications).